The following is an entry in ClinVar:

NM_177438.3(DICER1):c.5643T>C (p.Thr1881=)

Gene: DICER1 (dicer 1, ribonuclease III; minus strand). Cytogenetic location: 14q32.13.
Variant type: single nucleotide variant.
Coding change: c.5643T>C on transcript NM_177438.3 (MANE Select); coding-DNA position 5643, T replaced by C.
Protein change: p.Thr1881=; no amino-acid change (threonine 1881 retained).
Molecular consequence: synonymous variant. On other transcripts: missense variant (1).
Genome position (GRCh38, 1-based): chr14:95,090,624, A>G on the plus strand (T>C on the coding strand, the complement: DICER1 is on the minus strand). VCF-style: chr14-95090624-A-G. GRCh37 (hg19) VCF-style: chr14-95556961-A-G.
Other names: c.5480T>C, p.Leu1827Pro (NM_001195573.1); c.5643T>C, p.Thr1881= (NM_001271282.3, NM_001291628.2, NM_030621.4); short protein forms L1827P.
Identifiers: ClinVar variation 220945 (VCV000220945.59), dbSNP rs199574382, ClinGen allele CA348713.

ClinVar aggregate classification (germline): Benign/Likely benign. Review status: criteria provided, multiple submitters, no conflicts (2 of 4 stars). 10 submissions from 10 submitters: Benign (1); Likely benign (8). 1 of the submissions does not count toward it. Last evaluated 2026-04-21.

Conditions:
DICER1-related disorder. Also called: DICER1-related condition.
Hereditary cancer-predisposing syndrome. Also called: Neoplastic Syndromes, Hereditary; Hereditary Cancer Syndrome; Tumor predisposition; Hereditary neoplastic syndrome. Identifiers: Orphanet 140162, MedGen C0027672, MeSH D009386, MONDO:0015356.
DICER1-related tumor predisposition. Also called: DICER1 syndrome; DICER1-related pleuropulmonary blastoma cancer predisposition syndrome. Identifiers: Orphanet 284343, MedGen C3839822, MONDO:0100216.

Allele frequency attached by ClinVar (database versions not stated): gnomAD 0.00012 and 0.00011; gnomAD exomes 0.00012 and 0.00008; TOPMed 0.00006; ExAC 0.00008; ESP Exome Variant Server 0.00008.
gnomAD v4.1: 188 of 1,614,050 alleles (0.012%); highest among the groups gnomAD compares: Middle Eastern, 0.033%; 1 homozygote.

Submissions (10):

Myriad Genetics, Inc.
Classification: Benign for DICER1-related tumor predisposition. Last evaluated: 2026-04-21. Review status: criteria provided, single submitter. Criteria: Myriad Autosomal Dominant, Autosomal Recessive and X-Linked Classification Criteria (2023). Collection method: clinical testing. Allele origin: unknown.
Comment: This variant is considered benign. This variant is a silent/synonymous amino acid change and it is not expected to impact splicing.

Labcorp Genetics (formerly Invitae), Labcorp
Classification: Likely benign for DICER1-related tumor predisposition. Last evaluated: 2026-01-21. Review status: criteria provided, single submitter. Criteria: Invitae Variant Classification Sherloc (09022015). Collection method: clinical testing. Allele origin: germline.

Center for Genomic Medicine, Rigshospitalet, Copenhagen University Hospital
Classification: Likely benign. Last evaluated: 2025-03-04. Review status: criteria provided, single submitter. Criteria: ACMG Guidelines, 2015. Collection method: clinical testing. Allele origin: germline.

Hereditary Cancer Group, L’Institut d'Investigació Biomèdica de Bellvitge
Classification: Likely benign for Hereditary cancer-predisposing syndrome. Last evaluated: 2024-12-19. Review status: criteria provided, single submitter. Criteria: Hatton et al. (Hum Mutat. 2023). Collection method: clinical testing. Allele origin: germline. Inheritance: Autosomal dominant inheritance. Affected: yes.
Comment: PM2_supporting, BP4, BP7

Blueprint Genetics
Classification: Likely benign. Last evaluated: 2024-07-19. Review status: criteria provided, single submitter. Criteria: ACMG Guidelines, 2015. Collection method: clinical testing. Allele origin: germline.

Ambry Genetics
Classification: Likely benign for Hereditary cancer-predisposing syndrome. Last evaluated: 2024-04-09. Review status: criteria provided, single submitter. Criteria: Ambry Variant Classification Scheme 2023. Collection method: clinical testing. Allele origin: germline.

Quest Diagnostics Nichols Institute San Juan Capistrano
Classification: Likely benign. Last evaluated: 2022-12-03. Review status: criteria provided, single submitter. Criteria: Quest Diagnostics criteria. Collection method: clinical testing. Allele origin: unknown.

CeGaT Center for Human Genetics Tuebingen
Classification: Likely benign. Last evaluated: 2022-02-01. Review status: criteria provided, single submitter. Criteria: CeGaT Center For Human Genetics Tuebingen Variant Classification Criteria Version 2. Collection method: clinical testing. Allele origin: germline. Affected: yes. Observed: 1 variant allele.

Sema4
Classification: Likely benign for Hereditary cancer-predisposing syndrome. Last evaluated: 2021-05-30. Review status: criteria provided, single submitter. Criteria: Sema4 Curation Guidelines. Collection method: curation. Allele origin: germline.

PreventionGenetics, part of Exact Sciences
Classification: Likely benign for DICER1-related condition. Last evaluated: 2022-02-24. Review status: no assertion criteria provided. Collection method: clinical testing. Allele origin: germline. Not counted in ClinVar's aggregate classification.
Comment: This variant is classified as likely benign based on ACMG/AMP sequence variant interpretation guidelines (Richards et al. 2015 PMID: 25741868, with internal and published modifications).